The following is an entry in ClinVar:

NM_015512.5(DNAH1):c.10757_10759del (p.Phe3586del)

Gene: DNAH1 (dynein axonemal heavy chain 1; plus strand). Cytogenetic location: 3p21.1.
Variant type: Deletion.
Coding change: c.10757_10759del on transcript NM_015512.5 (MANE Select); coding-DNA positions 10757 to 10759, 3 bases deleted (TCT; older notation c.10757_10759delTCT).
Protein change: p.Phe3586del; deletes phenylalanine 3586.
Molecular consequence: inframe deletion.
Genome position (GRCh38, 1-based): chr3:52,394,595-52,394,597, TCT deleted; deleting any 3 consecutive bases within chr3:52,394,593-52,394,597 gives the same sequence; the c. name uses the placement nearest the transcript's 3' end. VCF-style (leftmost placement, unchanged base first): chr3-52394592-CCTT-C. GRCh37 (hg19) VCF-style: chr3-52428608-CCTT-C.
Other names: short protein forms F3586del.
Identifiers: ClinVar variation 3751383 (VCV003751383.2).

ClinVar aggregate classification (germline): Uncertain significance (1 of 4 stars; one submission).

Conditions:
Spermatogenic failure 18. Identifiers: MedGen C4539783, MONDO:0054615, OMIM 617576.
Ciliary dyskinesia, primary, 37 (CILD37). Also called: CILIARY DYSKINESIA, PRIMARY, 37, WITH OR WITHOUT SITUS INVERSUS. Identifiers: MedGen C4539798, MONDO:0033204, OMIM 617577.

Submission:

Labcorp Genetics (formerly Invitae), Labcorp
Classification: Uncertain significance for Ciliary dyskinesia, primary, 37; Spermatogenic failure 18. Last evaluated: 2024-11-16. Review status: criteria provided, single submitter. Criteria: Invitae Variant Classification Sherloc (09022015). Collection method: clinical testing. Allele origin: germline.
Comment: This variant, c.10757_10759del, results in the deletion of 1 amino acid(s) of the DNAH1 protein (p.Phe3586del), but otherwise preserves the integrity of the reading frame. This variant is not present in population databases (gnomAD no frequency). This variant has not been reported in the literature in individuals affected with DNAH1-related conditions. Experimental studies and prediction algorithms are not available or were not evaluated, and the functional significance of this variant is currently unknown. In summary, the available evidence is currently insufficient to determine the role of this variant in disease. Therefore, it has been classified as a Variant of Uncertain Significance.